The following is an entry in ClinVar:

NM_004168.4(SDHA):c.13C>G (p.Arg5Gly)

Gene: SDHA (succinate dehydrogenase complex flavoprotein subunit A; plus strand). Cytogenetic location: 5p15.33.
Variant type: single nucleotide variant.
Coding change: c.13C>G on transcript NM_004168.4 (MANE Select); coding-DNA position 13, C replaced by G.
Protein change: p.Arg5Gly; replaces arginine 5 with glycine.
Molecular consequence: missense variant.
Genome position (GRCh38, 1-based): chr5:218,368, C>G. VCF-style: chr5-218368-C-G. GRCh37 (hg19) VCF-style: chr5-218483-C-G.
Other names: c.13C>G, p.Arg5Gly (NM_001294332.2, NM_001330758.2); short protein forms R5G.
Identifiers: ClinVar variation 966890 (VCV000966890.13), dbSNP rs770866830, ClinGen allele CA3172682.

ClinVar aggregate classification (germline): Conflicting classifications of pathogenicity. Review status: criteria provided, conflicting classifications (1 of 4 stars). 2 submissions from 2 submitters: Uncertain significance (1); Likely benign (1). Last evaluated 2025-04-08.

Conditions:
Mitochondrial complex II deficiency, nuclear type 1. Also called: SUCCINATE CoQ REDUCTASE DEFICIENCY. Identifiers: Orphanet 3208, MedGen C5700310, MONDO:0100294, OMIM 252011.
Pheochromocytoma/paraganglioma syndrome 5. Also called: Paragangliomas 5; SDHA-Related Hereditary Paraganglioma-Pheochromocytoma Syndrome. Identifiers: Orphanet 29072, MedGen C3279992, MONDO:0013602, OMIM 614165.
Hereditary cancer-predisposing syndrome. Also called: Hereditary Cancer Syndrome; Neoplastic Syndromes, Hereditary; Tumor predisposition; Hereditary neoplastic syndrome. Identifiers: Orphanet 140162, MedGen C0027672, MeSH D009386, MONDO:0015356.

Allele frequency attached by ClinVar (database versions not stated): ExAC 0.00003.

Submissions (2):

Labcorp Genetics (formerly Invitae), Labcorp
Classification: Uncertain significance for Pheochromocytoma/paraganglioma syndrome 5; Mitochondrial complex II deficiency, nuclear type 1. Last evaluated: 2025-04-08. Review status: criteria provided, single submitter. Criteria: Invitae Variant Classification Sherloc (09022015). Collection method: clinical testing. Allele origin: germline.
Comment: This sequence change replaces arginine, which is basic and polar, with glycine, which is neutral and non-polar, at codon 5 of the SDHA protein (p.Arg5Gly). The frequency data for this variant in the population databases is considered unreliable, as metrics indicate poor data quality at this position in the gnomAD database. This variant has not been reported in the literature in individuals affected with SDHA-related conditions. ClinVar contains an entry for this variant (Variation ID: 966890). Invitae Evidence Modeling of protein sequence and biophysical properties (such as structural, functional, and spatial information, amino acid conservation, physicochemical variation, residue mobility, and thermodynamic stability) indicates that this missense variant is not expected to disrupt SDHA protein function with a negative predictive value of 95%. In summary, the available evidence is currently insufficient to determine the role of this variant in disease. Therefore, it has been classified as a Variant of Uncertain Significance.

Ambry Genetics
Classification: Likely benign for Hereditary cancer-predisposing syndrome. Last evaluated: 2024-05-23. Review status: criteria provided, single submitter. Criteria: Ambry Variant Classification Scheme 2023. Collection method: clinical testing. Allele origin: germline.